The following is an entry in ClinVar:

ClinVar aggregate classification (germline): Pathogenic. Review status: criteria provided, multiple submitters, no conflicts (2 of 4 stars). 3 submissions from 3 submitters: Pathogenic (3). Last evaluated 2024-03-29.

Conditions:
Hereditary cancer-predisposing syndrome. Also called: Tumor predisposition; Hereditary neoplastic syndrome; Neoplastic Syndromes, Hereditary; Hereditary Cancer Syndrome. Identifiers: Orphanet 140162, MedGen C0027672, MeSH D009386, MONDO:0015356.
Global developmental delay - lung cysts - overgrowth - Wilms tumor syndrome. Also called: GLOW Syndrome; GLOBAL DEVELOPMENTAL DELAY, LUNG CYSTS, OVERGROWTH, AND WILMS TUMOR. Identifiers: Orphanet 404476, MedGen C4748924, MONDO:0018445, OMIM 618272.
DICER1-related tumor predisposition. Also called: DICER1-related pleuropulmonary blastoma cancer predisposition syndrome; DICER1 syndrome. Identifiers: Orphanet 284343, MedGen C3839822, MONDO:0100216.

Submissions (3):

Ambry Genetics
Classification: Pathogenic for Hereditary cancer-predisposing syndrome. Last evaluated: 2024-03-29. Review status: criteria provided, single submitter. Criteria: Ambry Variant Classification Scheme 2023. Collection method: clinical testing. Allele origin: germline.
Comment: The c.2867delC pathogenic mutation, located in coding exon 17 of the DICER1 gene, results from a deletion of one nucleotide at nucleotide position 2867, causing a translational frameshift with a predicted alternate stop codon (p.P956Hfs*25). This variant has been observed in at least one individual with a personal and/or family history that is consistent with DICER1-related tumor predisposition syndrome (Ambry internal data). This alteration has also been reported in an individual with a personal history pleuropulmonary blastoma (Cai S et al. Sci China Life Sci, 2017 Jul;60:714-720). This variant is considered to be rare based on population cohorts in the Genome Aggregation Database (gnomAD). In addition to the clinical data presented in the literature, this alteration is expected to result in loss of function by premature protein truncation or nonsense-mediated mRNA decay. As such, this alteration is interpreted as a disease-causing mutation.

Baylor Genetics
Classification: Pathogenic for Global developmental delay - lung cysts - overgrowth - Wilms tumor syndrome. Last evaluated: 2022-11-24. Review status: criteria provided, single submitter. Criteria: ACMG Guidelines, 2015. Collection method: clinical testing. Allele origin: unknown.

Foulkes Cancer Genetics LDI, Lady Davis Institute for Medical Research
Classification: Pathogenic for Pleuropulmonary blastoma. Last evaluated: 2019-07-01. Review status: criteria provided, single submitter. Criteria: ACMG Guidelines, 2015. Collection method: curation. Allele origin: germline. Affected: yes and no. Observed: 2 variant alleles.
Comment: ACMG criteria met: PVS1, PM2, PP4

Literature cited by the submitters: PubMed 28624956 (cited by Ambry Genetics and Foulkes Cancer Genetics LDI, Lady Davis Institute for Medical Research).

NM_177438.3(DICER1):c.2867del (p.Pro956fs)

Gene: DICER1 (dicer 1, ribonuclease III; minus strand). Cytogenetic location: 14q32.13.
Variant type: Deletion.
Coding change: c.2867del on transcript NM_177438.3 (MANE Select); coding-DNA position 2867, one base deleted (C; older notation c.2867delC).
Protein change: p.Pro956fs; shifts the reading frame from proline 956.
Molecular consequence: frameshift variant.
Genome position (GRCh38, 1-based): chr14:95,106,161, G deleted on the plus strand (C on the coding strand, the reverse complement: DICER1 is on the minus strand); the first of 4 consecutive G bases (chr14:95,106,161-95,106,164); deleting any one gives the same sequence. VCF-style (leftmost placement, unchanged base first): chr14-95106160-TG-T. GRCh37 (hg19) VCF-style: chr14-95572497-TG-T.
Other names: c.2867del, p.Pro956fs (NM_001195573.1, NM_001271282.3, NM_001291628.2 and 1 more transcripts); short protein forms P956fs.
Identifiers: ClinVar variation 933067 (VCV000933067.5), dbSNP rs1397948000, ClinGen allele CA710132185.